The following is an entry in ClinVar:

NM_001374736.1(DST):c.5058+9A>G

Gene: DST (dystonin; minus strand). Cytogenetic location: 6p12.1.
Variant type: single nucleotide variant.
Coding change: c.5058+9A>G on transcript NM_001374736.1 (MANE Select); 9 bases into the intron after coding-DNA position 5058, A replaced by G.
Molecular consequence: intron variant.
Genome position (GRCh38, 1-based): chr6:56,614,347, T>C on the plus strand (A>G on the coding strand, the complement: DST is on the minus strand). VCF-style: chr6-56614347-T-C. GRCh37 (hg19) VCF-style: chr6-56479145-T-C.
Other names: c.4959+9A>G (NM_001144769.5, NM_001144769.2); c.5058+9A>G (NM_001374722.1); c.5085+9A>G (NM_001374734.1); c.4545+9A>G (NM_001144770.2); c.4425+9A>G (NM_001374730.1, NM_001386100.1, NM_183380.4 and 1 more transcripts); c.3447+9A>G (NM_015548.5).
Identifiers: ClinVar variation 1555571 (VCV001555571.10), dbSNP rs761622114, ClinGen allele CA3869830.
Genomic context (GRCh38, chr6:56,614,347, plus strand): 5'-TAAACTGTGTCAACTCAGTTAACGTCCCTGCTATTATTATTATTATTAAACCAGGACTTC[T>C]GTGAATACCTTTTGCTTAGAGAAGGGAGGTTTTCCAGCCTTCTCTGCATCTTTCAATGTC-3'

ClinVar aggregate classification (germline): Likely benign. Review status: criteria provided, single submitter (1 of 4 stars). 2 submissions from 2 submitters: Likely benign (1). 1 of the submissions does not count toward it. Last evaluated 2025-08-04.

Conditions:
Hereditary sensory and autonomic neuropathy type 6. Also called: Neuropathy, hereditary sensory and autonomic, type VI; HSAN VI. Identifiers: Orphanet 314381, MedGen C3539003, MONDO:0013839, OMIM 614653.
Epidermolysis bullosa simplex 3, localized or generalized intermediate, with BP230 deficiency (EBS3). Also called: Epidermolysis bullosa simplex, autosomal recessive 2; Epidermolysis bullosa simplex due to BP230 deficiency. Identifiers: Orphanet 412181, MedGen C3809470, MONDO:0014180, OMIM 615425.
DST-related disorder. Also called: DST-related condition; DST-related disorders.

Allele frequency attached by ClinVar (database versions not stated): gnomAD exomes 0.00002 and 0.00003; ExAC 0.00003.
gnomAD v4.1: 37 of 1,594,718 alleles (0.0023%); highest among the groups gnomAD compares: Middle Eastern, 0.033%; no homozygotes.

Submissions (2):

Labcorp Genetics (formerly Invitae), Labcorp
Classification: Likely benign for Epidermolysis bullosa simplex 3, localized or generalized intermediate, with BP230 deficiency; Hereditary sensory and autonomic neuropathy type 6. Last evaluated: 2025-08-04. Review status: criteria provided, single submitter. Criteria: Invitae Variant Classification Sherloc (09022015). Collection method: clinical testing. Allele origin: germline.

PreventionGenetics, part of Exact Sciences
Classification: Likely benign for DST-related condition. Last evaluated: 2024-02-07. Review status: no assertion criteria provided. Collection method: clinical testing. Allele origin: germline. Not counted in ClinVar's aggregate classification.
Comment: This variant is classified as likely benign based on ACMG/AMP sequence variant interpretation guidelines (Richards et al. 2015 PMID: 25741868, with internal and published modifications).